The following is an entry in ClinVar:

NM_000492.4(CFTR):c.2658-1G>A

Gene: CFTR (CF transmembrane conductance regulator; plus strand). Cytogenetic location: 7q31.2.
Variant type: single nucleotide variant.
Coding change: c.2658-1G>A on transcript NM_000492.4 (MANE Select); the canonical splice acceptor site of the intron before coding-DNA position 2658, G replaced by A.
Molecular consequence: splice acceptor variant.
Genome position (GRCh38, 1-based): chr7:117,603,531, G>A. VCF-style: chr7-117603531-G-A. GRCh37 (hg19) VCF-style: chr7-117243585-G-A.
Identifiers: ClinVar variation 4818511 (VCV004818511.1).
Genomic context (GRCh38, chr7:117,603,531, plus strand): 5'-GTATTGGAAATTCAGTAAGTAACTTTGGCTGCCAAATAACGATTTCCTATTTGCTTTACA[G>A]CACTCCTCTTCAAGACAAAGGGAATAGTACTCATAGTAGAAATAACAGCTATGCAGTGAT-3'

ClinVar aggregate classification (germline): Pathogenic (1 of 4 stars; one submission).

Conditions:
CFTR-related disorder (CFTR-RD). Also called: CFTR-related disorders; CFTR-related condition. Identifiers: MedGen C5924204, MONDO:7770004.

gnomAD v4.1: 1 of 1,613,842 alleles (0.000062%); highest among the groups gnomAD compares: Non-Finnish European, 0.000085%; no homozygotes.

Submission:

Natera, Inc.
Classification: Pathogenic for CFTR-related disorders. Last evaluated: 2025-01-28. Review status: criteria provided, single submitter. Criteria: Natera Variant Classification Schema (03/2026). Collection method: clinical testing. Allele origin: germline.
Comment: The c.2658-1G>A variant in CFTR is a canonical splice acceptor site variant predicted to affect pre-mRNA splicing, which may result in an abnormal transcript and altered protein product. This variant is expected to result in nonsense mediated decay, truncation, or a dysfunctional protein product. This variant is rare in the general population with a frequency below the threshold expected for the associated phenotype(s). Another variant at this same site results in an alteration predicted to cause a similar molecular effect has been observed in individual(s) with the associated phenotype. Given the available evidence, this variant is classified as Pathogenic.